The following is an entry in ClinVar:

NM_001365951.3(KIF1B):c.4211T>C (p.Val1404Ala)

Gene: KIF1B (kinesin family member 1B; plus strand). Cytogenetic location: 1p36.22.
Variant type: single nucleotide variant.
Coding change: c.4211T>C on transcript NM_001365951.3 (MANE Select); coding-DNA position 4211, T replaced by C.
Protein change: p.Val1404Ala; replaces valine 1404 with alanine.
Molecular consequence: missense variant.
Genome position (GRCh38, 1-based): chr1:10,361,732, T>C. VCF-style: chr1-10361732-T-C. GRCh37 (hg19) VCF-style: chr1-10421790-T-C.
Other names: c.4211T>C, p.Val1404Ala (NM_001365952.1); c.4073T>C, p.Val1358Ala (NM_015074.3); short protein forms V1358A, V1404A.
Identifiers: ClinVar variation 155750 (VCV000155750.31), dbSNP rs200561798, ClinGen allele CA233113.

ClinVar aggregate classification (germline): Conflicting classifications of pathogenicity. Review status: criteria provided, conflicting classifications (1 of 4 stars). 12 submissions from 12 submitters: Uncertain significance (5); Likely benign (3). 4 of the submissions do not count toward it. Last evaluated 2026-07-01.

Conditions:
Charcot-Marie-Tooth disease. Also called: Charcot-Marie-Tooth Hereditary Neuropathy; Charcot-Marie-Tooth Neuropathy. Identifiers: Orphanet 166, MedGen C0007959, MONDO:0015626.
Charcot-Marie-Tooth disease type 2. Also called: Charcot-Marie-Tooth type 2. Identifiers: Orphanet 64746, MedGen C0270914, MONDO:0018993.
Neuroblastoma (NB). Identifiers: Orphanet 635, MedGen C0027819, MeSH D009447, MONDO:0005072, HP:0003006.
Neuroblastoma, susceptibility to, 1. Identifiers: MedGen C2749485, MONDO:0009741, OMIM 256700.

Allele frequency attached by ClinVar (database versions not stated): TOPMed 0.00006; ESP Exome Variant Server 0.00015; gnomAD 0.00019 and 0.00022; ExAC 0.00020; gnomAD exomes 0.00020 and 0.00025.
gnomAD v4.1: 381 of 1,613,976 alleles (0.024%); highest among the groups gnomAD compares: Non-Finnish European, 0.024%; no homozygotes.

Submissions (12):

CeGaT Center for Human Genetics Tuebingen
Classification: Likely benign. Last evaluated: 2026-07-01. Review status: criteria provided, single submitter. Criteria: CeGaT Center For Human Genetics Tuebingen Variant Classification Criteria Version 2. Collection method: clinical testing. Allele origin: germline. Affected: yes. Observed: 1 variant allele.
Comment: KIF1B: BS1

St. Jude Molecular Pathology, St. Jude Children's Research Hospital
Classification: Uncertain significance for Neuroblastoma, susceptibility to, 1. Last evaluated: 2026-02-11. Review status: criteria provided, single submitter. Criteria: St. Jude Assertion Criteria 2020. Collection method: clinical testing. Allele origin: germline.
Comment: The KIF1B c.4073T>C p.(Val1358Ala) missense change has a maximum subpopulation frequency of 0.022% in gnomAD v2.1.1. The in silico tool REVEL predicts a deleterious effect on protein function, but to our knowledge this prediction has not been confirmed by functional studies. To our knowledge, this variant has not been reported in the literature in individuals with pheochromocytoma or neuroblastoma. In summary, the evidence currently available is insufficient to determine the clinical significance of this variant. It has therefore been classified as of uncertain significance.

Labcorp Genetics (formerly Invitae), Labcorp
Classification: Likely benign for Charcot-Marie-Tooth disease type 2. Last evaluated: 2025-05-30. Review status: criteria provided, single submitter. Criteria: Invitae Variant Classification Sherloc (09022015). Collection method: clinical testing. Allele origin: germline.

ARUP Laboratories, Molecular Genetics and Genomics, ARUP Laboratories
Classification: Uncertain significance. Last evaluated: 2024-08-21. Review status: criteria provided, single submitter. Criteria: ARUP Molecular Germline Variant Investigation Process 2024. Collection method: clinical testing. Allele origin: germline.
Comment: The KIF1B c.4073T>C; p.Val1358Ala variant (rs200561798) is reported in the literature in two siblings affected with Charcot-Marie-Tooth disease, but was also present in the unaffected mother (Drew 2015). This variant is also reported in ClinVar (Variation ID: 155750), and is found in the Finnish European population with an allele frequency of 0.12% (31/25062 alleles) in the Genome Aggregation Database. Computational analyses predict that this variant is deleterious (REVEL: 0.743). Due to limited information, the clinical significance of this variant is uncertain at this time. References: Drew AP et al. Improved inherited peripheral neuropathy genetic diagnosis by whole-exome sequencing. Mol Genet Genomic Med. 2015 Mar;3(2):143-54. PMID: 25802885.

Institute for Clinical Genetics, University Hospital TU Dresden, University Hospital TU Dresden
Classification: Uncertain significance. Last evaluated: 2021-11-03. Review status: criteria provided, single submitter. Criteria: ACMG Guidelines, 2015. Collection method: clinical testing. Allele origin: germline.

Ambry Genetics
Classification: Likely benign. Last evaluated: 2020-08-04. Review status: criteria provided, single submitter. Criteria: Ambry Variant Classification Scheme 2023. Collection method: clinical testing. Allele origin: germline.

Illumina Laboratory Services, Illumina
Classification: Uncertain significance for Neuroblastoma. Last evaluated: 2018-01-13. Review status: criteria provided, single submitter. Criteria: ICSL Variant Classification Criteria 13 December 2019. Collection method: clinical testing. Allele origin: germline.

Molecular Genetics Laboratory, London Health Sciences Centre
Classification: Uncertain significance for Charcot-Marie-Tooth disease. Review status: criteria provided, single submitter. Criteria: ACMG Guidelines, 2015. Collection method: clinical testing. Allele origin: germline. Affected: yes.

Clinical Genetics DNA and cytogenetics Diagnostics Lab, Erasmus MC, Erasmus Medical Center
Classification: Uncertain significance. Review status: no assertion criteria provided. Collection method: clinical testing. Allele origin: germline. Affected: yes. Study: VKGL Data-share Consensus. Not counted in ClinVar's aggregate classification.

Clinical Genetics, Academic Medical Center
Classification: Uncertain significance. Review status: no assertion criteria provided. Collection method: clinical testing. Allele origin: germline. Affected: yes. Study: VKGL Data-share Consensus. Not counted in ClinVar's aggregate classification.

Joint Genome Diagnostic Labs from Nijmegen and Maastricht, Radboudumc and MUMC+
Classification: Uncertain significance. Review status: no assertion criteria provided. Collection method: clinical testing. Allele origin: germline. Affected: yes. Study: VKGL Data-share Consensus. Not counted in ClinVar's aggregate classification.

Northcott Neuroscience Laboratory, ANZAC Research Institute
Classification: Likely pathogenic. Review status: no assertion criteria provided. Collection method: not provided. Allele origin: germline. Not counted in ClinVar's aggregate classification.
Comment: Family P
ClinVar note: Converted during submission from probable-pathogenic to Likely pathogenic.